The following is an entry in ClinVar:

NM_017807.4(OSGEP):c.703-2A>C

Gene: OSGEP (O-sialoglycoprotein endopeptidase; minus strand). Cytogenetic location: 14q11.2.
Variant type: single nucleotide variant.
Coding change: c.703-2A>C on transcript NM_017807.4 (MANE Select); the canonical splice acceptor site of the intron before coding-DNA position 703, A replaced by C.
Molecular consequence: splice acceptor variant.
Genome position (GRCh38, 1-based): chr14:20,447,996, T>G on the plus strand (A>C on the coding strand, the complement: OSGEP is on the minus strand). VCF-style: chr14-20447996-T-G. GRCh37 (hg19) VCF-style: chr14-20916155-T-G.
Identifiers: ClinVar variation 2002672 (VCV002002672.4), dbSNP rs2501747943, ClinGen allele CA389119007.

ClinVar aggregate classification (germline): Likely pathogenic (1 of 4 stars; one submission).

Allele frequency attached by ClinVar (database versions not stated): gnomAD exomes below 0.00001.

Submission:

Labcorp Genetics (formerly Invitae), Labcorp
Classification: Likely pathogenic. Last evaluated: 2025-06-09. Review status: criteria provided, single submitter. Criteria: Invitae Variant Classification Sherloc (09022015). Collection method: clinical testing. Allele origin: germline.
Comment: This sequence change affects an acceptor splice site in intron 7 of the OSGEP gene. It is expected to disrupt RNA splicing. Variants that disrupt the donor or acceptor splice site typically lead to a loss of protein function (PMID: 16199547), and loss-of-function variants in OSGEP are known to be pathogenic (PMID: 28805828, 34666032). This variant is not present in population databases (gnomAD no frequency). This variant has not been reported in the literature in individuals affected with OSGEP-related conditions. ClinVar contains an entry for this variant (Variation ID: 2002672). Algorithms developed to predict the effect of sequence changes on RNA splicing suggest that this variant may disrupt the consensus splice site. In summary, the currently available evidence indicates that the variant is pathogenic, but additional data are needed to prove that conclusively. Therefore, this variant has been classified as Likely Pathogenic.

Literature cited by the submitters: PubMed 16199547; PubMed 28805828; PubMed 34666032.